The following is an entry in ClinVar:

NM_198428.3(BBS9):c.2632+1G>A

Gene: BBS9 (Bardet-Biedl syndrome 9; plus strand). Cytogenetic location: 7p14.3.
Variant type: single nucleotide variant.
Coding change: c.2632+1G>A on transcript NM_198428.3 (MANE Select); the canonical splice donor site of the intron after coding-DNA position 2632, G replaced by A.
Molecular consequence: splice donor variant. On other transcripts: intron variant (1).
Genome position (GRCh38, 1-based): chr7:33,604,976, G>A. VCF-style: chr7-33604976-G-A. GRCh37 (hg19) VCF-style: chr7-33644588-G-A.
Other names: c.2632+1G>A (NM_001348036.1, NM_001348041.4, NM_001348043.3); c.2522-30201G>A (NM_001362679.1); c.2359+1G>A (NM_001348038.3); c.2254+1G>A (NM_001348039.3); c.2617+1G>A (NM_001033605.2); c.2527+1G>A (NM_001033604.2); c.2512+1G>A (NM_014451.4, NM_001348040.3); c.2083+1G>A (NM_001348037.3); and 3 more.
Identifiers: ClinVar variation 4890694 (VCV004890694.1).

ClinVar aggregate classification (germline): Uncertain significance (1 of 4 stars; one submission).

Conditions:
Bardet-Biedl syndrome 4 (BBS4). Identifiers: Orphanet 110, MedGen C2936864, MONDO:0014433, OMIM 615982.

Submission:

Institute of Human Genetics, University of Leipzig Medical Center
Classification: Uncertain significance for Bardet-Biedl syndrome 4. Last evaluated: 2026-07-30. Review status: criteria provided, single submitter. Criteria: ACMG Guidelines, 2015. Collection method: clinical testing. Allele origin: unknown. Inheritance: Autosomal recessive inheritance. Affected: yes.
Comment: Criteria applied: PVS1_MOD,PM2